The following is an entry in ClinVar:

ClinVar aggregate classification (germline): Uncertain significance (1 of 4 stars; one submission).

Conditions:
Pyridoxal phosphate-responsive seizures (PNPOD). Also called: Pyridoxamine 5-Prime-Phosphate Oxidase Deficiency; Pyridoxine-5'-phosphate oxidase deficiency; EPILEPTIC ENCEPHALOPATHY, NEONATAL, PNPO-RELATED; SEIZURES, PYRIDOXINE-RESISTANT, PLP-SENSITIVE; Pyridoxal 5'-Phosphate (PLP)-Dependent Epilepsy. Identifiers: Orphanet 79096, MedGen C1864723, MONDO:0012407, OMIM 610090. Disease mechanism: loss of function.

Submission:

Labcorp Genetics (formerly Invitae), Labcorp
Classification: Uncertain significance for Pyridoxal phosphate-responsive seizures. Last evaluated: 2024-10-08. Review status: criteria provided, single submitter. Criteria: Invitae Variant Classification Sherloc (09022015). Collection method: clinical testing. Allele origin: germline.
Comment: This sequence change falls in intron 2 of the PNPO gene. It does not directly change the encoded amino acid sequence of the PNPO protein. It affects a nucleotide within the consensus splice site. This variant is not present in population databases (gnomAD no frequency). This variant has not been reported in the literature in individuals affected with PNPO-related conditions. ClinVar contains an entry for this variant (Variation ID: 1476330). Variants that disrupt the consensus splice site are a relatively common cause of aberrant splicing (PMID: 17576681, 9536098). Algorithms developed to predict the effect of sequence changes on RNA splicing suggest that this variant is not likely to affect RNA splicing. In summary, the available evidence is currently insufficient to determine the role of this variant in disease. Therefore, it has been classified as a Variant of Uncertain Significance.

Literature cited by the submitters: PubMed 17576681; PubMed 9536098.

NM_018129.4(PNPO):c.263+6C>T

Gene: PNPO (pyridoxamine 5'-phosphate oxidase; plus strand). Cytogenetic location: 17q21.32.
Variant type: single nucleotide variant.
Coding change: c.263+6C>T on transcript NM_018129.4 (MANE Select); 6 bases into the intron after coding-DNA position 263, C replaced by T.
Molecular consequence: intron variant.
Genome position (GRCh38, 1-based): chr17:47,943,436, C>T. VCF-style: chr17-47943436-C-T. GRCh37 (hg19) VCF-style: chr17-46020802-C-T.
Identifiers: ClinVar variation 1476330 (VCV001476330.6), dbSNP rs2144160857, ClinGen allele CA2573154134.
Genomic context (GRCh38, chr17:47,943,436, plus strand): 5'-TTCAGTGTCCTGACATAGGGGAAGCCAATGCCATGTGTCTGGCTACCTGCACCAGGTGGG[C>T]ATGGCTGTGGGCCCCTCTTTGGGTGGATACATATGAACTAGGAAGCTTATGAAGCTCTCT-3'